The following is an entry in ClinVar:

NM_000059.4(BRCA2):c.1046A>C (p.Lys349Thr)

Gene: BRCA2 (BRCA2 DNA repair associated; plus strand). Cytogenetic location: 13q13.1.
Variant type: single nucleotide variant.
Coding change: c.1046A>C on transcript NM_000059.4 (MANE Select); coding-DNA position 1046, A replaced by C.
Protein change: p.Lys349Thr; replaces lysine 349 with threonine.
Molecular consequence: missense variant.
Genome position (GRCh38, 1-based): chr13:32,332,524, A>C. VCF-style: chr13-32332524-A-C. GRCh37 (hg19) VCF-style: chr13-32906661-A-C.
Other names: short protein forms K349T.
Identifiers: ClinVar variation 141957 (VCV000141957.9), dbSNP rs587782140, ClinGen allele CA010666.

ClinVar aggregate classification (germline): Conflicting classifications of pathogenicity. Review status: criteria provided, conflicting classifications (1 of 4 stars). 2 submissions from 2 submitters: Uncertain significance (1); Likely benign (1). Last evaluated 2025-08-23.

Conditions:
Hereditary cancer-predisposing syndrome. Also called: Neoplastic Syndromes, Hereditary; Tumor predisposition; Hereditary Cancer Syndrome; Hereditary neoplastic syndrome. Identifiers: Orphanet 140162, MedGen C0027672, MeSH D009386, MONDO:0015356.

Submissions (2):

Ambry Genetics
Classification: Uncertain significance for Hereditary cancer-predisposing syndrome. Last evaluated: 2025-08-23. Review status: criteria provided, single submitter. Criteria: Ambry Variant Classification Scheme 2023. Collection method: clinical testing. Allele origin: germline.
Comment: The p.K349T variant (also known as c.1046A>C), located in coding exon 9 of the BRCA2 gene, results from an A to C substitution at nucleotide position 1046. The lysine at codon 349 is replaced by threonine, an amino acid with similar properties. This amino acid position is poorly conserved in available vertebrate species. In addition, this alteration is predicted to be tolerated by in silico analysis. Since supporting evidence is limited at this time, the clinical significance of this alteration remains unclear.

University of Washington Department of Laboratory Medicine, University of Washington
Classification: Likely benign for Hereditary cancer-predisposing syndrome. Last evaluated: 2023-03-23. Review status: criteria provided, single submitter. Criteria: Dines et al. (Genet Med. 2020). Collection method: curation. Allele origin: germline.
Comment: Missense variant in a coldspot region where missense variants are very unlikely to be pathogenic (PMID:31911673).

BRCA2 exon 10 coldspot. Reclassification based on statistical prior probability.